The following is an entry in ClinVar:

ClinVar aggregate classification (germline): Conflicting classifications of pathogenicity. Review status: criteria provided, conflicting classifications (1 of 4 stars). 7 submissions from 7 submitters: Uncertain significance (5); Likely benign (1). 1 of the submissions does not count toward it. Last evaluated 2025-12-08.

Conditions:
BRCA2-related disorder. Also called: BRCA2-related condition; BRCA2-related disorders. Identifiers: MedGen CN239275.
Hereditary cancer-predisposing syndrome. Also called: Neoplastic Syndromes, Hereditary; Hereditary neoplastic syndrome; Hereditary Cancer Syndrome; Tumor predisposition. Identifiers: Orphanet 140162, MedGen C0027672, MeSH D009386, MONDO:0015356.
Hereditary breast ovarian cancer syndrome. Also called: Hereditary breast and ovarian cancer syndrome; Hereditary breast and/or ovarian cancer syndrome; BRCA1- and BRCA2-Associated Hereditary Breast and Ovarian Cancer; Breast and ovarian cancer; Hereditary breast and ovarian cancer syndrome (HBOC); Hereditary breast and ovarian cancer. Identifiers: Orphanet 145, MedGen C0677776, MeSH D061325, MONDO:0003582. Disease mechanism: loss of function.
Breast-ovarian cancer, familial, susceptibility to, 2 (BROVCA2). Also called: BRCA2 Hereditary Breast and Ovarian Cancer. Identifiers: Orphanet 145, MedGen C2675520, MONDO:0012933, OMIM 612555. Disease mechanism: loss of function.

Allele frequency attached by ClinVar (database versions not stated): TOPMed 0.00001.

Submissions (7):

Labcorp Genetics (formerly Invitae), Labcorp
Classification: Uncertain significance for Hereditary breast ovarian cancer syndrome. Last evaluated: 2025-12-08. Review status: criteria provided, single submitter. Criteria: Invitae Variant Classification Sherloc (09022015). Collection method: clinical testing. Allele origin: germline.
Comment: This sequence change replaces asparagine, which is neutral and polar, with aspartic acid, which is acidic and polar, at codon 1322 of the BRCA2 protein (p.Asn1322Asp). This variant is not present in population databases (gnomAD no frequency). This variant has not been reported in the literature in individuals affected with BRCA2-related conditions. ClinVar contains an entry for this variant (Variation ID: 252829). Invitae Evidence Modeling of protein sequence and biophysical properties (such as structural, functional, and spatial information, amino acid conservation, physicochemical variation, residue mobility, and thermodynamic stability) indicates that this missense variant is not expected to disrupt BRCA2 protein function with a negative predictive value of 95%. In summary, the available evidence is currently insufficient to determine the role of this variant in disease. Therefore, it has been classified as a Variant of Uncertain Significance.

PreventionGenetics, part of Exact Sciences
Classification: Uncertain significance for BRCA2-related condition. Last evaluated: 2025-03-11. Review status: criteria provided, single submitter. Criteria: ACMG Guidelines, 2015. Collection method: clinical testing. Allele origin: germline.
Comment: The BRCA2 c.3964A>G variant is predicted to result in the amino acid substitution p.Asn1322Asp. To our knowledge, this variant has not been reported in the literature or in a large population database (gnomAD), indicating this variant is rare. This variant occurs within a region of the BRCA2 gene that is predicted to be tolerant to missense variation (Table 2, Dines et al. 2020. PubMed ID: 31911673). This variant has conflicting interpretations of pathogenicity in ClinVar ranging from likely benign to uncertain. At this time, the clinical significance of this variant is uncertain due to the absence of conclusive functional and genetic evidence.

Ambry Genetics
Classification: Uncertain significance for Hereditary cancer-predisposing syndrome. Last evaluated: 2024-02-29. Review status: criteria provided, single submitter. Criteria: Ambry Variant Classification Scheme 2023. Collection method: clinical testing. Allele origin: germline.
Comment: The p.N1322D variant (also known as c.3964A>G), located in coding exon 10 of the BRCA2 gene, results from an A to G substitution at nucleotide position 3964. The asparagine at codon 1322 is replaced by aspartic acid, an amino acid with highly similar properties. This amino acid position is conserved. In addition, this alteration is predicted to be tolerated by in silico analysis. Based on the available evidence, the clinical significance of this alteration remains unclear.

University of Washington Department of Laboratory Medicine, University of Washington
Classification: Likely benign for Hereditary cancer-predisposing syndrome. Last evaluated: 2023-03-23. Review status: criteria provided, single submitter. Criteria: Dines et al. (Genet Med. 2020). Collection method: curation. Allele origin: germline.
Comment: Missense variant in a coldspot region where missense variants are very unlikely to be pathogenic (PMID:31911673).

BRCA2 exon 11 coldspot. Reclassification based on statistical prior probability.

Quest Diagnostics Nichols Institute San Juan Capistrano
Classification: Uncertain significance. Last evaluated: 2021-04-29. Review status: criteria provided, single submitter. Criteria: Quest Diagnostics criteria. Collection method: clinical testing. Allele origin: unknown.

Women's Health and Genetics/Laboratory Corporation of America, LabCorp
Classification: Uncertain significance. Last evaluated: 2021-04-02. Review status: criteria provided, single submitter. Criteria: LabCorp Variant Classification Summary - May 2015. Collection method: clinical testing. Allele origin: germline.
Comment: Variant summary: BRCA2 c.3964A>G (p.Asn1322Asp) results in a conservative amino acid change in the encoded protein sequence. Four of five in-silico tools predict a benign effect of the variant on protein function. The variant was absent in 226692 control chromosomes. The available data on variant occurrences in the general population are insufficient to allow any conclusion about variant significance. To our knowledge, no occurrence of c.3964A>G in individuals affected with Hereditary Breast And Ovarian Cancer Syndrome and no experimental evidence demonstrating its impact on protein function have been reported. One clinical diagnostic laboratory has submitted clinical-significance assessments for this variant to ClinVar after 2014 without evidence for independent evaluation and classified the variant as uncertain significance. Based on the evidence outlined above, the variant was classified as uncertain significance.

Sharing Clinical Reports Project (SCRP)
Classification: Uncertain significance for Breast-ovarian cancer, familial 2. Last evaluated: 2009-03-14. Review status: no assertion criteria provided. Collection method: clinical testing. Allele origin: germline. Not counted in ClinVar's aggregate classification.

NM_000059.4(BRCA2):c.3964A>G (p.Asn1322Asp)

Gene: BRCA2 (BRCA2 DNA repair associated; plus strand). Cytogenetic location: 13q13.1.
Variant type: single nucleotide variant.
Coding change: c.3964A>G on transcript NM_000059.4 (MANE Select); coding-DNA position 3964, A replaced by G.
Protein change: p.Asn1322Asp; replaces asparagine 1322 with aspartic acid.
Molecular consequence: missense variant.
Genome position (GRCh38, 1-based): chr13:32,338,319, A>G. VCF-style: chr13-32338319-A-G. GRCh37 (hg19) VCF-style: chr13-32912456-A-G.
Other names: 4192A>G; short protein forms N1322D.
Identifiers: ClinVar variation 252829 (VCV000252829.17), dbSNP rs879255449, ClinGen allele CA10586065.